The following is an entry in ClinVar:

ClinVar aggregate classification (germline): Likely benign. Review status: criteria provided, multiple submitters, no conflicts (2 of 4 stars). 5 submissions from 5 submitters: Likely benign (5). Last evaluated 2025-02-20.

Conditions:
Ehlers-Danlos syndrome, type 4 (EDSVASC). Also called: Ehlers-Danlos syndrome vascular type; Ehlers Danlos syndrome, ecchymotic type; Ehlers Danlos syndrome, arterial type; Ehlers Danlos syndrome, Sack-Barabas type; Ehlers-Danlos Syndrome Type IV. Identifiers: Orphanet 286, MedGen C0268338, MONDO:0017314, OMIM 130050.
Familial thoracic aortic aneurysm and aortic dissection (TAAD). Also called: Thoracic aortic aneurysms and dissections. Identifiers: Orphanet 91387, MedGen C4707243, MONDO:0019625.

Allele frequency attached by ClinVar (database versions not stated): gnomAD exomes below 0.00001 and 0.00001; ExAC 0.00001; TOPMed 0.00001; gnomAD 0.00003.
gnomAD v4.1: 14 of 1,614,064 alleles (0.00087%); highest among the groups gnomAD compares: Non-Finnish European, 0.0012%; no homozygotes.

Submissions (5):

Ambry Genetics
Classification: Likely benign for Familial thoracic aortic aneurysm and aortic dissection. Last evaluated: 2025-02-20. Review status: criteria provided, single submitter. Criteria: Ambry Variant Classification Scheme 2023. Collection method: clinical testing. Allele origin: germline.

Labcorp Genetics (formerly Invitae), Labcorp
Classification: Likely benign for Ehlers-Danlos syndrome, type 4. Last evaluated: 2024-11-04. Review status: criteria provided, single submitter. Criteria: Invitae Variant Classification Sherloc (09022015). Collection method: clinical testing. Allele origin: germline.

CeGaT Center for Human Genetics Tuebingen
Classification: Likely benign. Last evaluated: 2024-10-01. Review status: criteria provided, single submitter. Criteria: CeGaT Center For Human Genetics Tuebingen Variant Classification Criteria Version 2. Collection method: clinical testing. Allele origin: germline. Affected: yes. Observed: 1 variant allele.
Comment: COL3A1: BP4, BP7

All of Us Research Program, National Institutes of Health
Classification: Likely benign for Ehlers-Danlos syndrome, type 4. Last evaluated: 2023-07-10. Review status: criteria provided, single submitter. Criteria: ACMG Guidelines, 2015. Collection method: clinical testing. Allele origin: germline. Inheritance: Autosomal dominant inheritance. Observed: 4 variant alleles, 4 heterozygotes.
Comment: This study involves interpretation of variants in research participants for the purpose of population health screening. Participant phenotype was not available at the time of variant classification. Additional details can be found in publication PMID: 35346344, PMCID: PMC8962531

Color Diagnostics, LLC DBA Color Health
Classification: Likely benign for Familial thoracic aortic aneurysm and aortic dissection. Last evaluated: 2019-02-25. Review status: criteria provided, single submitter. Criteria: ACMG Guidelines, 2015. Collection method: clinical testing. Allele origin: germline.

NM_000090.4(COL3A1):c.1176T>C (p.Pro392=)

Gene: COL3A1 (collagen type III alpha 1 chain; plus strand). Cytogenetic location: 2q32.2.
Variant type: single nucleotide variant.
Coding change: c.1176T>C on transcript NM_000090.4 (MANE Select); coding-DNA position 1176, T replaced by C.
Protein change: p.Pro392=; no amino-acid change (proline 392 retained).
Molecular consequence: synonymous variant.
Genome position (GRCh38, 1-based): chr2:188,994,064, T>C. VCF-style: chr2-188994064-T-C. GRCh37 (hg19) VCF-style: chr2-189858790-T-C.
Identifiers: ClinVar variation 925906 (VCV000925906.26), dbSNP rs778702019, ClinGen allele CA073893.